The following is an entry in ClinVar:

ClinVar aggregate classification (germline): Uncertain significance. Review status: criteria provided, multiple submitters, no conflicts (2 of 4 stars). 4 submissions from 4 submitters: Uncertain significance (4). Last evaluated 2026-02-10.

Conditions:
Primary ciliary dyskinesia 7. Also called: CILIARY DYSKINESIA, PRIMARY, 7, WITH OR WITHOUT SITUS INVERSUS. Identifiers: Orphanet 244, MedGen C2678473, MONDO:0012748, OMIM 611884.
Primary ciliary dyskinesia. Also called: Ciliary dyskinesia. Identifiers: Orphanet 244, MedGen C0008780, MONDO:0016575, HP:0012265.

Allele frequency attached by ClinVar (database versions not stated): ExAC 0.00001.
gnomAD v4.1: 12 of 1,613,304 alleles (0.00074%); highest among the groups gnomAD compares: African/African-American, 0.0013%; no homozygotes.

Submissions (4):

Ambry Genetics
Classification: Uncertain significance for Primary ciliary dyskinesia. Last evaluated: 2026-02-10. Review status: criteria provided, single submitter. Criteria: Ambry Variant Classification Scheme 2023. Collection method: clinical testing. Allele origin: germline.
Comment: The p.R3888H variant (also known as c.11663G>A), located in coding exon 71 of the DNAH11 gene, results from a G to A substitution at nucleotide position 11663. The arginine at codon 3888 is replaced by histidine, an amino acid with highly similar properties. This variant was reported in individual(s) with features consistent with primary ciliary dyskinesia (Knowles MR et al. Thorax, 2012 May;67:433-41). This amino acid position is highly conserved in available vertebrate species. In addition, the in silico prediction for this alteration is inconclusive. Based on the available evidence, the clinical significance of this variant remains unclear.

Broad Center for Mendelian Genomics, Broad Institute of MIT and Harvard
Classification: Uncertain significance for Primary ciliary dyskinesia 7. Last evaluated: 2025-02-19. Review status: criteria provided, single submitter. Criteria: ACMG Guidelines, 2015. Collection method: curation. Allele origin: germline. Inheritance: Autosomal recessive inheritance.
Comment: The p.Arg3888His variant in DNAH11 has been reported, in the homozygous state, in 1 individual with primary ciliary dyskinesia (PMID: 22184204), and has been identified in 0.001% (1/74980) of African/African American chromosomes by the Genome Aggregation Database (gnomAD; dbSNP rs72658812). Although this variant has been seen in the general population in a heterozygous state, its frequency is low enough to be consistent with a recessive carrier frequency. This variant has also been reported in ClinVar (Variation ID: 1976937) and has been interpreted as a variant of uncertain significance by Invitae and PerkinElmer Genomics. Computational prediction tools, including splice predictors, and conservation analyses suggest that this variant may not impact the protein, though this information is not predictive enough to rule out pathogenicity. In summary, the clinical significance of the p.Arg3888His variant is uncertain. ACMG/AMP Criteria applied: PM2_supporting, PM3_supporting (Richards 2015).

Labcorp Genetics (formerly Invitae), Labcorp
Classification: Uncertain significance for Primary ciliary dyskinesia. Last evaluated: 2022-10-14. Review status: criteria provided, single submitter. Criteria: Invitae Variant Classification Sherloc (09022015). Collection method: clinical testing. Allele origin: germline.
Comment: This variant is present in population databases (rs72658812, gnomAD 0.0009%). This sequence change replaces arginine, which is basic and polar, with histidine, which is basic and polar, at codon 3888 of the DNAH11 protein (p.Arg3888His). This missense change has been observed in individual(s) with primary ciliary dyskinesia (PMID: 22184204). In summary, the available evidence is currently insufficient to determine the role of this variant in disease. Therefore, it has been classified as a Variant of Uncertain Significance. Advanced modeling of protein sequence and biophysical properties (such as structural, functional, and spatial information, amino acid conservation, physicochemical variation, residue mobility, and thermodynamic stability) performed at Invitae indicates that this missense variant is not expected to disrupt DNAH11 protein function.

Revvity Omics, Revvity
Classification: Uncertain significance for Primary ciliary dyskinesia 7. Last evaluated: 2021-02-04. Review status: criteria provided, single submitter. Criteria: ACMG Guidelines, 2015. Collection method: clinical testing. Allele origin: germline.

Literature cited by the submitters: PubMed 22184204 (cited by Ambry Genetics and Labcorp Genetics (formerly Invitae), Labcorp); PubMed 37860582 (cited by Ambry Genetics).

NM_001277115.2(DNAH11):c.11663G>A (p.Arg3888His)

Gene: DNAH11 (dynein axonemal heavy chain 11; plus strand). Cytogenetic location: 7p15.3.
Variant type: single nucleotide variant.
Coding change: c.11663G>A on transcript NM_001277115.2 (MANE Select); coding-DNA position 11663, G replaced by A.
Protein change: p.Arg3888His; replaces arginine 3888 with histidine.
Molecular consequence: missense variant.
Genome position (GRCh38, 1-based): chr7:21,866,636, G>A. VCF-style: chr7-21866636-G-A. GRCh37 (hg19) VCF-style: chr7-21906254-G-A.
Other names: NM_001277115.2(DNAH11):c.11663G>A; p.Arg3888His; c.11684G>A, p.Arg3895His (NM_003777.3); c.11663G>A (NM_001277115.1); short protein forms R3888H, R3895H.
Identifiers: ClinVar variation 1976937 (VCV001976937.9), dbSNP rs72658812, ClinGen allele CA4182822.
Genomic context (GRCh38, chr7:21,866,636, plus strand): 5'-TACCTCAAGAATGGAAGAAGAAAAGTTTAATACAGAAGCTGATTCTTCTGAGAGCAATGC[G>A]CCCTGACAGAATGACGTATGCTCTCAGGTGGGGTGGTCAGCATTTTTGGAAACATGTATT-3'
Protein context (NP_001264044.1, residues 3878-3898): IQKLILLRAM[Arg3888His]PDRMTYALRN